The following is an entry in ClinVar:

ClinVar aggregate classification (germline): Conflicting classifications of pathogenicity. Review status: criteria provided, conflicting classifications (1 of 4 stars). 6 submissions from 5 submitters: Uncertain significance (5); Benign (1). Last evaluated 2026-07-08.

Conditions:
Familial thoracic aortic aneurysm and aortic dissection (TAAD). Also called: Thoracic aortic aneurysms and dissections. Identifiers: Orphanet 91387, MedGen C4707243, MONDO:0019625.
Adams-Oliver syndrome 5 (AOS5). Identifiers: Orphanet 974, MedGen C4014970, MONDO:0014459, OMIM 616028.
Aortic valve disease 1 (AOVD1). Identifiers: MedGen C3887892, MONDO:0024523, OMIM 109730.

Allele frequency attached by ClinVar (database versions not stated): TOPMed 0.00009; gnomAD exomes 0.00011 and 0.00019; gnomAD 0.00003; ESP Exome Variant Server 0.00008; ExAC 0.00017.

Submissions (6):

GeneDx
Classification: Uncertain significance. Last evaluated: 2026-07-08. Review status: criteria provided, single submitter. Criteria: GeneDx Variant Classification Process June 2021. Collection method: clinical testing. Allele origin: germline.
Comment: Reported as a paternally inherited variant in an individual with bicuspid aortic valve and a mildly dilated aortic root; however, this individual was also reported to have Bosch-Boonstra-Schaaf optic atrophy syndrome, which was attributed to a de novo variant in the NR2F1 gene (PMID: 28963436); Observed in a cohort of individuals with heritable thoracic aortic aneurysms or dissections, however, case-level data were not described (PMID: 32748548); In silico analysis suggests that this missense variant does not alter protein structure/function; This variant is associated with the following publications: (PMID: 28963436, 32748548)

Labcorp Genetics (formerly Invitae), Labcorp
Classification: Benign for Adams-Oliver syndrome 5. Last evaluated: 2025-08-23. Review status: criteria provided, single submitter. Criteria: Invitae Variant Classification Sherloc (09022015). Collection method: clinical testing. Allele origin: germline.

Ambry Genetics
Classification: Uncertain significance for Familial thoracic aortic aneurysm and aortic dissection. Last evaluated: 2024-02-25. Review status: criteria provided, single submitter. Criteria: Ambry Variant Classification Scheme 2023. Collection method: clinical testing. Allele origin: germline.
Comment: The p.R2372Q variant (also known as c.7115G>A), located in coding exon 34 of the NOTCH1 gene, results from a G to A substitution at nucleotide position 7115. The arginine at codon 2372 is replaced by glutamine, an amino acid with highly similar properties. This amino acid position is well conserved in available vertebrate species. In addition, the in silico prediction for this alteration is inconclusive. Since supporting evidence is limited at this time, the clinical significance of this alteration remains unclear.

Mayo Clinic Laboratories, Mayo Clinic
Classification: Uncertain significance. Last evaluated: 2023-04-13. Review status: criteria provided, single submitter. Criteria: ACMG Guidelines, 2015. Collection method: clinical testing. Allele origin: germline. Observed: 10 variant alleles.
Comment: PP2, PS4_moderate

Genome-Nilou Lab
Classification: Uncertain significance for Adams-Oliver syndrome 5. Last evaluated: 2022-03-15. Review status: criteria provided, single submitter. Criteria: ACMG Guidelines, 2015. Collection method: clinical testing. Allele origin: germline. Affected: no.

Genome-Nilou Lab
Classification: Uncertain significance for Aortic valve disease 1. Last evaluated: 2022-03-15. Review status: criteria provided, single submitter. Criteria: ACMG Guidelines, 2015. Collection method: clinical testing. Allele origin: germline. Affected: no.

Literature cited by the submitters: PubMed 28963436 (cited by Mayo Clinic Laboratories, Mayo Clinic); PubMed 32748548 (cited by Mayo Clinic Laboratories, Mayo Clinic).

NM_017617.5(NOTCH1):c.7115G>A (p.Arg2372Gln)

Gene: NOTCH1 (notch receptor 1; minus strand). Cytogenetic location: 9q34.3.
Variant type: single nucleotide variant.
Coding change: c.7115G>A on transcript NM_017617.5 (MANE Select); coding-DNA position 7115, G replaced by A.
Protein change: p.Arg2372Gln; replaces arginine 2372 with glutamine.
Molecular consequence: missense variant.
Genome position (GRCh38, 1-based): chr9:136,496,624, C>T on the plus strand (G>A on the coding strand, the complement: NOTCH1 is on the minus strand). VCF-style: chr9-136496624-C-T. GRCh37 (hg19) VCF-style: chr9-139391076-C-T.
Other names: p.Arg2372Gln; c.7115G>A, p.Arg2372Gln (LRG_1122t1); short protein forms R2372Q.
Identifiers: ClinVar variation 477968 (VCV000477968.27), dbSNP rs373119531, ClinGen allele CA5339750.